The following is an entry in ClinVar:

ClinVar aggregate classification (germline): Likely benign. Review status: criteria provided, multiple submitters, no conflicts (2 of 4 stars). 4 submissions from 4 submitters: Likely benign (4). Last evaluated 2026-01-19.

Conditions:
Hereditary cancer-predisposing syndrome. Also called: Neoplastic Syndromes, Hereditary; Hereditary neoplastic syndrome; Tumor predisposition; Hereditary Cancer Syndrome. Identifiers: Orphanet 140162, MedGen C0027672, MeSH D009386, MONDO:0015356.
Ataxia-telangiectasia-like disorder (ATLD). Identifiers: MedGen C1858391, MONDO:0011457.

Allele frequency attached by ClinVar (database versions not stated): 1000 Genomes Project 30x 0.00016; 1000 Genomes Project 0.00020.
gnomAD v4.1: 14 of 1,610,016 alleles (0.00087%); highest among the groups gnomAD compares: Non-Finnish European, 0.0012%; no homozygotes.

Submissions (4):

Labcorp Genetics (formerly Invitae), Labcorp
Classification: Likely benign for Ataxia-telangiectasia-like disorder. Last evaluated: 2026-01-19. Review status: criteria provided, single submitter. Criteria: Invitae Variant Classification Sherloc (09022015). Collection method: clinical testing. Allele origin: germline.

CeGaT Center for Human Genetics Tuebingen
Classification: Likely benign. Last evaluated: 2025-04-01. Review status: criteria provided, single submitter. Criteria: CeGaT Center For Human Genetics Tuebingen Variant Classification Criteria Version 2. Collection method: clinical testing. Allele origin: germline. Affected: yes. Observed: 5 variant alleles.
Comment: MRE11: BP4, BP7

Blueprint Genetics
Classification: Likely benign. Last evaluated: 2024-09-05. Review status: criteria provided, single submitter. Criteria: ACMG Guidelines, 2015. Collection method: clinical testing. Allele origin: germline.

Ambry Genetics
Classification: Likely benign for Hereditary cancer-predisposing syndrome. Last evaluated: 2020-01-07. Review status: criteria provided, single submitter. Criteria: Ambry Variant Classification Scheme 2023. Collection method: clinical testing. Allele origin: germline.

NM_005591.4(MRE11):c.564G>A (p.Arg188=)

Gene: MRE11 (MRE11 double strand break repair nuclease; minus strand). Cytogenetic location: 11q21.
Variant type: single nucleotide variant.
Coding change: c.564G>A on transcript NM_005591.4 (MANE Select); coding-DNA position 564, G replaced by A.
Protein change: p.Arg188=; no amino-acid change (arginine 188 retained).
Molecular consequence: synonymous variant.
Genome position (GRCh38, 1-based): chr11:94,476,384, C>T on the plus strand (G>A on the coding strand, the complement: MRE11 is on the minus strand). VCF-style: chr11-94476384-C-T. GRCh37 (hg19) VCF-style: chr11-94209550-C-T.
Other names: c.564G>A, p.Arg188= (NM_001330347.2, NM_005590.4).
Identifiers: ClinVar variation 1681617 (VCV001681617.35), dbSNP rs200213865, ClinGen allele CA6235356.